The following is an entry in ClinVar:

NM_000492.4(CFTR):c.3567dup (p.Val1190fs)

Genes: CFTR (CF transmembrane conductance regulator; plus strand), CFTR-AS2 (CFTR antisense RNA 2; minus strand). Cytogenetic location: 7q31.2.
Variant type: Duplication.
Coding change: c.3567dup on transcript NM_000492.4 (MANE Select); coding-DNA position 3567, one base duplicated (A; older notation c.3567dupA).
Protein change: p.Val1190fs; shifts the reading frame from valine 1190.
Molecular consequence: frameshift variant.
Genome position (GRCh38, 1-based): chr7:117,627,620, A duplicated; the last of 3 consecutive A bases (chr7:117,627,618-117,627,620); duplicating any one gives the same sequence. VCF-style (leftmost placement, unchanged base first): chr7-117627617-G-GA. GRCh37 (hg19) VCF-style: chr7-117267671-G-GA.
Other names: short protein forms V1190fs.
Identifiers: ClinVar variation 1726133 (VCV001726133.2), dbSNP rs2485146298, ClinGen allele CA2580076339.

ClinVar aggregate classification (germline): Likely pathogenic (1 of 4 stars; one submission).

Conditions:
Cystic fibrosis (CF). Also called: MUCOVISCIDOSIS. Identifiers: Orphanet 586, MedGen C0010674, MONDO:0009061, OMIM 219700. Disease mechanism: loss of function.

Submission:

Myriad Genetics, Inc.
Classification: Likely pathogenic for Cystic fibrosis. Last evaluated: 2022-05-18. Review status: criteria provided, single submitter. Criteria: Myriad Women's Health Autosomal Recessive and X-Linked Classification Criteria (2021). Collection method: clinical testing. Allele origin: unknown.
Comment: NM_000492.3(CFTR):c.3567dupA(V1190Sfs*5) is expected to be pathogenic in the context of cystic fibrosis. This variant is predicted to lead to an abnormal or absent protein product due to the creation of a premature termination codon in CFTR, a gene where loss-of-function variants are known to be pathogenic. Please note: this variant was assessed in the context of healthy population screening.